The following is an entry in ClinVar:

NM_002471.4(MYH6):c.2929-5G>A

Gene: MYH6 (myosin heavy chain 6; minus strand). Cytogenetic location: 14q11.2.
Variant type: single nucleotide variant.
Coding change: c.2929-5G>A on transcript NM_002471.4 (MANE Select); 5 bases into the intron before coding-DNA position 2929, G replaced by A.
Molecular consequence: intron variant.
Genome position (GRCh38, 1-based): chr14:23,393,523, C>T on the plus strand (G>A on the coding strand, the complement: MYH6 is on the minus strand). VCF-style: chr14-23393523-C-T. GRCh37 (hg19) VCF-style: chr14-23862732-C-T.
Identifiers: ClinVar variation 1797771 (VCV001797771.6), dbSNP rs770004037, ClinGen allele CA613317519.

ClinVar aggregate classification (germline): Uncertain significance. Review status: criteria provided, multiple submitters, no conflicts (2 of 4 stars). 3 submissions from 3 submitters: Uncertain significance (3). Last evaluated 2026-07-23.

Conditions:
MYH6-related disorder. Also called: MYH6-related condition; MYH6-Related Disorders.
Cardiovascular phenotype. Identifiers: MedGen CN230736.
Hypertrophic cardiomyopathy 14. Identifiers: MedGen C2750467, MONDO:0013197, OMIM 613251.

Allele frequency attached by ClinVar (database versions not stated): gnomAD 0.00001; TOPMed 0.00002.
gnomAD v4.1: 9 of 1,613,868 alleles (0.00056%); highest among the groups gnomAD compares: African/African-American, 0.004%; no homozygotes.

Submissions (3):

PreventionGenetics, part of Exact Sciences
Classification: Uncertain significance for MYH6-related condition. Last evaluated: 2026-07-23. Review status: criteria provided, single submitter. Criteria: ACMG Guidelines, 2015. Collection method: clinical testing. Allele origin: germline.
Comment: The MYH6 c.2929-5G>A variant is predicted to interfere with splicing. This variant is predicted to impact splicing based on splicing prediction programs (SpliceAI, Jaganathan et al. 2019. PubMed ID: 30661751). However, the use of computer prediction programs is not equivalent to functional evidence. To our knowledge, this variant has not been reported in the literature. This variant is reported in 0.0062% of alleles in individuals of African descent in gnomAD. At this time, the clinical significance of this variant is uncertain due to the absence of conclusive functional and genetic evidence.

Labcorp Genetics (formerly Invitae), Labcorp
Classification: Uncertain significance for Hypertrophic cardiomyopathy 14. Last evaluated: 2025-03-03. Review status: criteria provided, single submitter. Criteria: Invitae Variant Classification Sherloc (09022015). Collection method: clinical testing. Allele origin: germline.
Comment: This sequence change falls in intron 22 of the MYH6 gene. It does not directly change the encoded amino acid sequence of the MYH6 protein. This variant is present in population databases (no rsID available, gnomAD 0.007%). This variant has not been reported in the literature in individuals affected with MYH6-related conditions. ClinVar contains an entry for this variant (Variation ID: 1797771). Algorithms developed to predict the effect of sequence changes on RNA splicing suggest that this variant may create or strengthen a splice site. In summary, the available evidence is currently insufficient to determine the role of this variant in disease. Therefore, it has been classified as a Variant of Uncertain Significance.

Ambry Genetics
Classification: Uncertain significance for Cardiovascular phenotype. Last evaluated: 2021-06-22. Review status: criteria provided, single submitter. Criteria: Ambry Variant Classification Scheme 2023. Collection method: clinical testing. Allele origin: germline.
Comment: The c.2929-5G>A intronic variant results from a G to A substitution 5 nucleotides upstream from coding exon 21 in the MYH6 gene. This nucleotide position is well conserved in available vertebrate species. In silico splice site analysis predicts that this alteration will result in the creation or strengthening of a novel splice acceptor site. Since supporting evidence is limited at this time, the clinical significance of this alteration remains unclear.